The following is an entry in ClinVar:

NM_024675.4(PALB2):c.1492G>A (p.Asp498Asn)

Gene: PALB2 (partner and localizer of BRCA2; minus strand). Cytogenetic location: 16p12.2.
Variant type: single nucleotide variant.
Coding change: c.1492G>A on transcript NM_024675.4 (MANE Select); coding-DNA position 1492, G replaced by A.
Protein change: p.Asp498Asn; replaces aspartic acid 498 with asparagine.
Molecular consequence: missense variant.
Genome position (GRCh38, 1-based): chr16:23,635,054, C>T on the plus strand (G>A on the coding strand, the complement: PALB2 is on the minus strand). VCF-style: chr16-23635054-C-T. GRCh37 (hg19) VCF-style: chr16-23646375-C-T.
Other names: short protein forms D498N.
Identifiers: ClinVar variation 410161 (VCV000410161.16), dbSNP rs75023630, ClinGen allele CA16615265.
Genomic context (GRCh38, chr16:23,635,054, plus strand): 5'-ATTTTCTTTTTCCTGTGTATCTTCTACCAGGTGCTTGGGCAACTGCCTTCCTAGACAAGT[C>T]ATTATCTTCAGTGGGCCCAGCGGGAGAGCTGACTTTAGTTAATGAGAGAAGTTTCTGAGA-3'
Protein context (NP_078951.2, residues 488-508): SSPAGPTEDN[Asp498Asn]LSRKAVAQAP

ClinVar aggregate classification (germline): Conflicting classifications of pathogenicity. Review status: criteria provided, conflicting classifications (1 of 4 stars). 5 submissions from 5 submitters: Uncertain significance (3); Likely benign (2). Last evaluated 2025-12-19.

Conditions:
Familial cancer of breast. Also called: Hereditary breast cancer; hereditary breast carcinoma; BREAST CANCER, FAMILIAL. Identifiers: Orphanet 227535, MedGen C0346153, MONDO:0016419, OMIM 114480. Disease mechanism: loss of function.
Hereditary cancer-predisposing syndrome. Also called: Hereditary neoplastic syndrome; Neoplastic Syndromes, Hereditary; Tumor predisposition; Hereditary Cancer Syndrome. Identifiers: Orphanet 140162, MedGen C0027672, MeSH D009386, MONDO:0015356.
Pancreatic cancer, susceptibility to, 3. Identifiers: Orphanet 1333, MedGen C3150547, MONDO:0013236, OMIM 613348.
Fanconi anemia complementation group N. Also called: PALB2-Related Fanconi Anemia. Identifiers: Orphanet 84, MedGen C1835817, MONDO:0012565, OMIM 610832. Disease mechanism: loss of function.

Allele frequency attached by ClinVar (database versions not stated): TOPMed 0.00001.
gnomAD v4.1: 1 of 1,614,104 alleles (0.000062%); highest among the groups gnomAD compares: Non-Finnish European, 0.000085%; no homozygotes.

Submissions (5):

Labcorp Genetics (formerly Invitae), Labcorp
Classification: Uncertain significance for Familial cancer of breast. Last evaluated: 2025-12-19. Review status: criteria provided, single submitter. Criteria: Invitae Variant Classification Sherloc (09022015). Collection method: clinical testing. Allele origin: germline.
Comment: This sequence change replaces aspartic acid, which is acidic and polar, with asparagine, which is neutral and polar, at codon 498 of the PALB2 protein (p.Asp498Asn). This variant is not present in population databases (gnomAD no frequency). This variant has not been reported in the literature in individuals affected with PALB2-related conditions. ClinVar contains an entry for this variant (Variation ID: 410161). Invitae Evidence Modeling of protein sequence and biophysical properties (such as structural, functional, and spatial information, amino acid conservation, physicochemical variation, residue mobility, and thermodynamic stability) indicates that this missense variant is not expected to disrupt PALB2 protein function with a negative predictive value of 80%. In summary, the available evidence is currently insufficient to determine the role of this variant in disease. Therefore, it has been classified as a Variant of Uncertain Significance.

Color Diagnostics, LLC DBA Color Health
Classification: Uncertain significance for Hereditary cancer-predisposing syndrome. Last evaluated: 2025-08-20. Review status: criteria provided, single submitter. Criteria: ACMG Guidelines, 2015. Collection method: clinical testing. Allele origin: germline.
Comment: This missense variant replaces aspartic acid with asparagine at codon 498 of the PALB2 protein. Computational prediction suggests that this variant may not impact protein structure and function. To our knowledge, functional studies have not been reported for this variant. This variant has not been reported in individuals affected with PALB2-related disorders in the literature. This variant has not been identified in the general population by the Genome Aggregation Database (gnomAD). The available evidence is insufficient to determine the role of this variant in disease conclusively. Therefore, this variant is classified as a Variant of Uncertain Significance.

Myriad Genetics, Inc.
Classification: Likely benign for Familial cancer of breast. Last evaluated: 2025-01-13. Review status: criteria provided, single submitter. Criteria: Myriad Autosomal Dominant, Autosomal Recessive and X-Linked Classification Criteria (2023). Collection method: clinical testing. Allele origin: unknown.
Comment: This variant is considered likely benign. This variant is strongly associated with less severe personal and family histories of cancer, typical for individuals without pathogenic variants in this gene [PMID: 25085752].

Ambry Genetics
Classification: Likely benign for Hereditary cancer-predisposing syndrome. Last evaluated: 2024-03-14. Review status: criteria provided, single submitter. Criteria: Ambry Variant Classification Scheme 2023. Collection method: clinical testing. Allele origin: germline.

Fulgent Genetics
Classification: Uncertain significance for Familial cancer of breast; Fanconi anemia complementation group N; Pancreatic cancer, susceptibility to, 3. Last evaluated: 2022-04-22. Review status: criteria provided, single submitter. Criteria: ACMG Guidelines, 2015. Collection method: clinical testing. Allele origin: unknown.

Literature cited by the submitters: PubMed 25085752 (cited by Myriad Genetics, Inc.); PubMed 23977390 (cited by Ambry Genetics); PubMed 25186627 (cited by Ambry Genetics); PubMed 26411315 (cited by Ambry Genetics).